The following is an entry in ClinVar:

NM_001323289.2(CDKL5):c.283-12T>C

Gene: CDKL5 (cyclin dependent kinase like 5; plus strand). Cytogenetic location: Xp22.13.
Variant type: single nucleotide variant.
Coding change: c.283-12T>C on transcript NM_001323289.2 (MANE Select); 12 bases into the intron before coding-DNA position 283, T replaced by C.
Molecular consequence: intron variant.
Genome position (GRCh38, 1-based): chrX:18,579,836, T>C. VCF-style: chrX-18579836-T-C. GRCh37 (hg19) VCF-style: chrX-18597956-T-C.
Other names: c.283-12T>C (NM_003159.3, NM_001037343.2).
Identifiers: ClinVar variation 136710 (VCV000136710.10), dbSNP rs188879559, ClinGen allele CA290025.
Genomic context (GRCh38, chrX:18,579,836, plus strand): 5'-TTTGTAAAATTGTTAATACATAATTTACGGGCCTACCTAATTTGGGAAATAATGACTCTA[T>C]TTAATTTTTAGAATATGCTCGAATTGCTGGAAGAAATGCCAAATGGAGTTCCACCTGAGA-3'

ClinVar aggregate classification (germline): Benign/Likely benign. Review status: criteria provided, multiple submitters, no conflicts (2 of 4 stars). 3 submissions from 3 submitters: Benign (2); Likely benign (1). Last evaluated 2026-01-28.

Conditions:
Angelman syndrome-like. Identifiers: MedGen CN128785.
Developmental and epileptic encephalopathy, 2 (DEE2). Also called: CDKL5 deficiency disorder; INFANTILE SPASM SYNDROME, X-LINKED 2. Identifiers: Orphanet 1934, Orphanet 3451, Orphanet 505652, MedGen C4750718, MONDO:0010396, OMIM 300672.

Allele frequency attached by ClinVar (database versions not stated): gnomAD exomes 0.00012 and 0.00028; ExAC 0.00031; 1000 Genomes Project 0.00079; 1000 Genomes Project 30x 0.00083; ESP Exome Variant Server 0.00085; gnomAD 0.00097 and 0.00110; TOPMed 0.00113.
gnomAD v4.1: 239 of 1,203,089 alleles (0.02%); highest among the groups gnomAD compares: African/African-American, 0.36%; no homozygotes.

Submissions (3):

Labcorp Genetics (formerly Invitae), Labcorp
Classification: Benign for Developmental and epileptic encephalopathy, 2; Angelman syndrome-like. Last evaluated: 2026-01-28. Review status: criteria provided, single submitter. Criteria: Invitae Variant Classification Sherloc (09022015). Collection method: clinical testing. Allele origin: germline.

Blueprint Genetics
Classification: Likely benign. Last evaluated: 2024-09-09. Review status: criteria provided, single submitter. Criteria: ACMG Guidelines, 2015. Collection method: clinical testing. Allele origin: germline.

GeneDx
Classification: Benign. Last evaluated: 2013-06-27. Review status: criteria provided, single submitter. Criteria: GeneDx Variant Classification (06012015). Collection method: clinical testing. Allele origin: germline. Affected: yes.
Comment: This variant is considered likely benign or benign based on one or more of the following criteria: it is a conservative change, it occurs at a poorly conserved position in the protein, it is predicted to be benign by multiple in silico algorithms, and/or has population frequency not consistent with disease.